The following is an entry in ClinVar:

NM_004863.4(SPTLC2):c.550A>G (p.Asn184Asp)

Gene: SPTLC2 (serine palmitoyltransferase long chain base subunit 2; minus strand). Cytogenetic location: 14q24.3.
Variant type: single nucleotide variant.
Coding change: c.550A>G on transcript NM_004863.4 (MANE Select); coding-DNA position 550, A replaced by G.
Protein change: p.Asn184Asp; replaces asparagine 184 with aspartic acid.
Molecular consequence: missense variant.
Genome position (GRCh38, 1-based): chr14:77,576,848, T>C on the plus strand (A>G on the coding strand, the complement: SPTLC2 is on the minus strand). VCF-style: chr14-77576848-T-C. GRCh37 (hg19) VCF-style: chr14-78043191-T-C.
Other names: short protein forms N184D.
Identifiers: ClinVar variation 1810742 (VCV001810742.1), dbSNP rs2503515621, ClinGen allele CA390699370.

ClinVar aggregate classification (germline): Uncertain significance (1 of 4 stars; one submission).

Submission:

GeneDx
Classification: Uncertain significance. Last evaluated: 2022-07-08. Review status: criteria provided, single submitter. Criteria: GeneDx Variant Classification Process June 2021. Collection method: clinical testing. Allele origin: germline. Affected: yes.
Comment: Not observed at significant frequency in large population cohorts (gnomAD); In silico analysis supports that this missense variant has a deleterious effect on protein structure/function; Has not been previously published as pathogenic or benign to our knowledge